The following is an entry in ClinVar:

NM_018897.3(DNAH7):c.424G>A (p.Ala142Thr)

Gene: DNAH7 (dynein axonemal heavy chain 7; minus strand). Cytogenetic location: 2q32.3.
Variant type: single nucleotide variant.
Coding change: c.424G>A on transcript NM_018897.3 (MANE Select); coding-DNA position 424, G replaced by A.
Protein change: p.Ala142Thr; replaces alanine 142 with threonine.
Molecular consequence: missense variant.
Genome position (GRCh38, 1-based): chr2:196,028,022, C>T on the plus strand (G>A on the coding strand, the complement: DNAH7 is on the minus strand). VCF-style: chr2-196028022-C-T. GRCh37 (hg19) VCF-style: chr2-196892746-C-T.
Other names: short protein forms A142T.
Identifiers: ClinVar variation 736645 (VCV000736645.7), dbSNP rs74317435, ClinGen allele CA2036985.
Genomic context (GRCh38, chr2:196,028,022, plus strand): 5'-AGATGTCTTTCTCTATAGCAGAAGCGGTCGGTTTTGGAATTGTGCTTCCATCAGGGACAG[C>T]TGAGTCTAAGTCAGCATCTTGTTGCCTAAGAAAATGATAAACATACTATTCAAAAGTAGA-3'
Protein context (NP_061720.2, residues 132-152): IMQQDADLDS[Ala142Thr]VPDGSTIPKP

ClinVar aggregate classification (germline): Conflicting classifications of pathogenicity. Review status: criteria provided, conflicting classifications (1 of 4 stars). 4 submissions from 4 submitters: Uncertain significance (1); Benign (2). 1 of the submissions does not count toward it. Last evaluated 2025-08-02.

Conditions:
DNAH7-related disorder. Also called: DNAH7-related condition.

Allele frequency attached by ClinVar (database versions not stated): ExAC 0.00059; gnomAD 0.00207; TOPMed 0.00229; 1000 Genomes Project 0.00260; ESP Exome Variant Server 0.00261; 1000 Genomes Project 30x 0.00297.
gnomAD v4.1: 632 of 1,609,800 alleles (0.039%); highest among the groups gnomAD compares: African/African-American, 0.76%; no homozygotes.

Submissions (4):

Ambry Genetics
Classification: Uncertain significance. Last evaluated: 2025-08-02. Review status: criteria provided, single submitter. Criteria: Ambry Variant Classification Scheme 2023. Collection method: clinical testing. Allele origin: germline.

Labcorp Genetics (formerly Invitae), Labcorp
Classification: Benign. Last evaluated: 2018-06-23. Review status: criteria provided, single submitter. Criteria: Invitae Variant Classification Sherloc (09022015). Collection method: clinical testing. Allele origin: germline.

Breakthrough Genomics
Classification: Benign. Review status: criteria provided, single submitter. Criteria: ACMG Guidelines, 2015. Collection method: not provided. Allele origin: germline. Inheritance: Unknown mechanism. Affected: yes.

PreventionGenetics, part of Exact Sciences
Classification: Likely benign for DNAH7-related condition. Last evaluated: 2019-05-21. Review status: no assertion criteria provided. Collection method: clinical testing. Allele origin: germline. Not counted in ClinVar's aggregate classification.
Comment: This variant is classified as likely benign based on ACMG/AMP sequence variant interpretation guidelines (Richards et al. 2015 PMID: 25741868, with internal and published modifications).